The following is an entry in ClinVar:

ClinVar aggregate classification (germline): Pathogenic/Likely pathogenic. Review status: criteria provided, multiple submitters, no conflicts (2 of 4 stars). 2 submissions from 2 submitters: Pathogenic (1); Likely pathogenic (1). Last evaluated 2023-07-25.

Conditions:
Autosomal recessive congenital ichthyosis 1 (LI1). Also called: COLLODION FETUS; DESQUAMATION OF NEWBORN; ICHTHYOSIS, CONGENITAL, AUTOSOMAL RECESSIVE 1, WITH BATHING SUIT DISTRIBUTION; ICHTHYOSIS, CONGENITAL, AUTOSOMAL RECESSIVE 1, WITH OR WITHOUT BATHING SUIT DISTRIBUTION; ICHTHYOSIS CONGENITA; ICHTHYOSIS CONGENITA II. Identifiers: MedGen C4551630, MONDO:0009441, OMIM 242300.

Submissions (2):

Baylor Genetics
Classification: Likely pathogenic for Autosomal recessive congenital ichthyosis 1. Last evaluated: 2023-07-25. Review status: criteria provided, single submitter. Criteria: ACMG Guidelines, 2015. Collection method: clinical testing. Allele origin: unknown.

Labcorp Genetics (formerly Invitae), Labcorp
Classification: Pathogenic. Last evaluated: 2022-08-06. Review status: criteria provided, single submitter. Criteria: Invitae Variant Classification Sherloc (09022015). Collection method: clinical testing. Allele origin: germline.
Comment: This sequence change creates a premature translational stop signal (p.Ile163Thrfs*19) in the TGM1 gene. It is expected to result in an absent or disrupted protein product. Loss-of-function variants in TGM1 are known to be pathogenic (PMID: 18948357, 19241467). This variant is not present in population databases (gnomAD no frequency). This variant has not been reported in the literature in individuals affected with TGM1-related conditions. For these reasons, this variant has been classified as Pathogenic.

Literature cited by the submitters: PubMed 18948357 (cited by Labcorp Genetics (formerly Invitae), Labcorp); PubMed 19241467 (cited by Labcorp Genetics (formerly Invitae), Labcorp).

NM_000359.3(TGM1):c.488del (p.Ile163fs)

Gene: TGM1 (transglutaminase 1; minus strand). Cytogenetic location: 14q12.
Variant type: Deletion.
Coding change: c.488del on transcript NM_000359.3 (MANE Select); coding-DNA position 488, one base deleted (T; older notation c.488delT).
Protein change: p.Ile163fs; shifts the reading frame from isoleucine 163.
Molecular consequence: frameshift variant.
Genome position (GRCh38, 1-based): chr14:24,261,715, A deleted on the plus strand (T on the coding strand, the reverse complement: TGM1 is on the minus strand). VCF-style (leftmost placement, unchanged base first): chr14-24261714-GA-G. GRCh37 (hg19) VCF-style: chr14-24730920-GA-G.
Other names: short protein forms I163fs.
Identifiers: ClinVar variation 2022097 (VCV002022097.5), dbSNP rs2502507759, ClinGen allele CA2580087989.